The following is an entry in ClinVar:

ClinVar aggregate classification (germline): Uncertain significance. Review status: criteria provided, multiple submitters, no conflicts (2 of 4 stars). 3 submissions from 3 submitters: Uncertain significance (3). Last evaluated 2024-05-14.

Conditions:
Palmoplantar keratoderma-esophageal carcinoma syndrome (TOC). Also called: KERATOSIS PALMARIS ET PLANTARIS WITH ESOPHAGEAL CANCER; PALMOPLANTAR KERATODERMA WITH ESOPHAGEAL CANCER; Tylosis with Esophageal Cancer. Identifiers: Orphanet 2198, MedGen C1835664, MONDO:0007856, OMIM 148500.

Allele frequency attached by ClinVar (database versions not stated): gnomAD exomes below 0.00001.
gnomAD v4.1: 1 of 1,608,140 alleles (0.000062%); highest among the groups gnomAD compares: Non-Finnish European, 0.000085%; no homozygotes.

Submissions (3):

Fulgent Genetics
Classification: Uncertain significance for Palmoplantar keratoderma-esophageal carcinoma syndrome. Last evaluated: 2024-05-14. Review status: criteria provided, single submitter. Criteria: ACMG Guidelines, 2015. Collection method: clinical testing. Allele origin: germline.

Baylor Genetics
Classification: Uncertain significance for Palmoplantar keratoderma-esophageal carcinoma syndrome. Last evaluated: 2024-03-19. Review status: criteria provided, single submitter. Criteria: ACMG Guidelines, 2015. Collection method: clinical testing. Allele origin: unknown.

Labcorp Genetics (formerly Invitae), Labcorp
Classification: Uncertain significance. Last evaluated: 2023-11-17. Review status: criteria provided, single submitter. Criteria: Invitae Variant Classification Sherloc (09022015). Collection method: clinical testing. Allele origin: germline.
Comment: This sequence change replaces proline, which is neutral and non-polar, with leucine, which is neutral and non-polar, at codon 533 of the RHBDF2 protein (p.Pro533Leu). This variant is not present in population databases (gnomAD no frequency). This variant has not been reported in the literature in individuals affected with RHBDF2-related conditions. Algorithms developed to predict the effect of missense changes on protein structure and function output the following: SIFT: "Not Available"; PolyPhen-2: "Benign"; Align-GVGD: "Not Available". The leucine amino acid residue is found in multiple mammalian species, which suggests that this missense change does not adversely affect protein function. In summary, the available evidence is currently insufficient to determine the role of this variant in disease. Therefore, it has been classified as a Variant of Uncertain Significance.

NM_001005498.4(RHBDF2):c.1511C>T (p.Pro504Leu)

Gene: RHBDF2 (rhomboid 5 homolog 2; minus strand). Cytogenetic location: 17q25.1.
Variant type: single nucleotide variant.
Coding change: c.1511C>T on transcript NM_001005498.4 (MANE Select); coding-DNA position 1511, C replaced by T.
Protein change: p.Pro504Leu; replaces proline 504 with leucine.
Molecular consequence: missense variant. On other transcripts: non-coding transcript variant (3).
Genome position (GRCh38, 1-based): chr17:76,474,096, G>A on the plus strand (C>T on the coding strand, the complement: RHBDF2 is on the minus strand). VCF-style: chr17-76474096-G-A. GRCh37 (hg19) VCF-style: chr17-74470178-G-A.
Other names: c.1511C>T, p.Pro504Leu (NM_001376228.1, NM_001376229.1, NM_001376230.1); c.1598C>T, p.Pro533Leu (NM_024599.5); short protein forms P533L, P504L.
Identifiers: ClinVar variation 2986125 (VCV002986125.5), dbSNP rs2509789997, ClinGen allele CA401166864.